The following is an entry in ClinVar:

NM_138477.4(CDAN1):c.1649T>C (p.Met550Thr)

Gene: CDAN1 (codanin 1; minus strand). Cytogenetic location: 15q15.2.
Variant type: single nucleotide variant.
Coding change: c.1649T>C on transcript NM_138477.4 (MANE Select); coding-DNA position 1649, T replaced by C.
Protein change: p.Met550Thr; replaces methionine 550 with threonine.
Molecular consequence: missense variant.
Genome position (GRCh38, 1-based): chr15:42,731,710, A>G on the plus strand (T>C on the coding strand, the complement: CDAN1 is on the minus strand). VCF-style: chr15-42731710-A-G. GRCh37 (hg19) VCF-style: chr15-43023908-A-G.
Other names: short protein forms M550T.
Identifiers: ClinVar variation 993980 (VCV000993980.23), dbSNP rs201599639, ClinGen allele CA7515982.

ClinVar aggregate classification (germline): Conflicting classifications of pathogenicity. Review status: criteria provided, conflicting classifications (1 of 4 stars). 6 submissions from 6 submitters: Uncertain significance (4); Likely benign (1). 1 of the submissions does not count toward it. Last evaluated 2024-12-04.

Conditions:
CDAN1-related disorder. Also called: CDAN1-related condition.
Anemia, congenital dyserythropoietic, type 1a (CDAN1A). Also called: CDAN1-Related Congenital Dyserythropoietic Anemia; DYSERYTHROPOIETIC ANEMIA, CONGENITAL, TYPE Ia. Identifiers: MedGen C5574667, MONDO:0009135, OMIM 224120.
Inborn genetic diseases. Identifiers: MedGen C0950123, MeSH D030342.

Allele frequency attached by ClinVar (database versions not stated): ESP Exome Variant Server 0.00015; TOPMed 0.00048; gnomAD 0.00052 and 0.00055; gnomAD exomes 0.00059 and 0.00065; ExAC 0.00072.

Submissions (6):

Mayo Clinic Laboratories, Mayo Clinic
Classification: Uncertain significance. Last evaluated: 2024-12-04. Review status: criteria provided, single submitter. Criteria: ACMG Guidelines, 2015. Collection method: clinical testing. Allele origin: germline. Observed: 4 variant alleles.
Comment: BP4

Blueprint Genetics
Classification: Likely benign. Last evaluated: 2024-11-08. Review status: criteria provided, single submitter. Criteria: ACMG Guidelines, 2015. Collection method: clinical testing. Allele origin: germline.

ARUP Laboratories, Molecular Genetics and Genomics, ARUP Laboratories
Classification: Uncertain significance for Anemia, congenital dyserythropoietic, type 1a. Last evaluated: 2024-09-27. Review status: criteria provided, single submitter. Criteria: ARUP Molecular Germline Variant Investigation Process 2024. Collection method: clinical testing. Allele origin: germline.
Comment: The CDAN1 c.1649T>C; p.Met550Thr variant (rs201599639), to our knowledge, is not reported in the medical literature but is reported in ClinVar (Variation ID: 993980). This variant is found predominantly in the non-Finnish European population with an allele frequency of 0.12% (155/128,902 alleles, including one homozygote) in the Genome Aggregation Database (v2.1.1). Computational analyses are uncertain whether this variant is neutral or deleterious (REVEL: 0.249). Due to limited information, the clinical significance of this variant is uncertain at this time.

Labcorp Genetics (formerly Invitae), Labcorp
Classification: Uncertain significance. Last evaluated: 2023-11-21. Review status: criteria provided, single submitter. Criteria: Invitae Variant Classification Sherloc (09022015). Collection method: clinical testing. Allele origin: germline.
Comment: This sequence change replaces methionine, which is neutral and non-polar, with threonine, which is neutral and polar, at codon 550 of the CDAN1 protein (p.Met550Thr). This variant is present in population databases (rs201599639, gnomAD 0.1%), and has an allele count higher than expected for a pathogenic variant. This variant has not been reported in the literature in individuals affected with CDAN1-related conditions. ClinVar contains an entry for this variant (Variation ID: 993980). An algorithm developed to predict the effect of missense changes on protein structure and function (PolyPhen-2) suggests that this variant¬†is likely to be tolerated. In summary, the available evidence is currently insufficient to determine the role of this variant in disease. Therefore, it has been classified as a Variant of Uncertain Significance.

Ambry Genetics
Classification: Uncertain significance for Inborn genetic diseases. Last evaluated: 2023-03-13. Review status: criteria provided, single submitter. Criteria: Ambry Variant Classification Scheme 2023. Collection method: clinical testing. Allele origin: germline.

PreventionGenetics, part of Exact Sciences
Classification: Uncertain significance for CDAN1-related condition. Last evaluated: 2024-04-28. Review status: no assertion criteria provided. Collection method: clinical testing. Allele origin: germline. Not counted in ClinVar's aggregate classification.
Comment: The CDAN1 c.1649T>C variant is predicted to result in the amino acid substitution p.Met550Thr. To our knowledge, this variant has not been reported in the literature. This variant is reported in 0.12% of alleles in individuals of European (Non-Finnish) descent in gnomAD. Although we suspect that this variant may be benign, at this time, the clinical significance of this variant is uncertain due to the absence of conclusive functional and genetic evidence.